The following is an entry in ClinVar:

NM_024678.6(NARS2):c.1290-36A>G

Gene: NARS2 (asparaginyl-tRNA synthetase 2, mitochondrial; minus strand). Cytogenetic location: 11q14.1.
Variant type: single nucleotide variant.
Coding change: c.1290-36A>G on transcript NM_024678.6 (MANE Select); 36 bases into the intron before coding-DNA position 1290, A replaced by G.
Molecular consequence: intron variant.
Genome position (GRCh38, 1-based): chr11:78,436,850, T>C on the plus strand (A>G on the coding strand, the complement: NARS2 is on the minus strand). VCF-style: chr11-78436850-T-C. GRCh37 (hg19) VCF-style: chr11-78147896-T-C.
Other names: c.*1117A>G (NM_001425305.1); c.609-36A>G (NM_001243251.2).
Identifiers: ClinVar variation 2642201 (VCV002642201.24), dbSNP rs186265584, ClinGen allele CA6205504.
Genomic context (GRCh38, chr11:78,436,850, plus strand): 5'-TCCAAATCGACGAAGGTCCAGATACCTGTTTTTCAAAAATAGAAAATCATCATCTATATA[T>C]AGTATAAGACCAGATGTTATGATTAGAATTTAATGTTTCAAACGTATTTTGCAATCATTT-3'

ClinVar aggregate classification (germline): Likely benign (1 of 4 stars; one submission).

Allele frequency attached by ClinVar (database versions not stated): ExAC 0.00006; ESP Exome Variant Server 0.00008; gnomAD 0.00020; TOPMed 0.00022; 1000 Genomes Project 0.00060; 1000 Genomes Project 30x 0.00078.
gnomAD v4.1: 58 of 1,593,216 alleles (0.0036%); highest among the groups gnomAD compares: African/African-American, 0.07%; no homozygotes.

Submission:

CeGaT Center for Human Genetics Tuebingen
Classification: Likely benign. Last evaluated: 2023-09-01. Review status: criteria provided, single submitter. Criteria: CeGaT Center For Human Genetics Tuebingen Variant Classification Criteria Version 2. Collection method: clinical testing. Allele origin: germline. Affected: yes. Observed: 1 variant allele.
Comment: NARS2: BP4